The following is an entry in ClinVar:

ClinVar aggregate classification (germline): Benign/Likely benign. Review status: criteria provided, multiple submitters, no conflicts (2 of 4 stars). 4 submissions from 4 submitters: Benign (2); Likely benign (1). 1 of the submissions does not count toward it. Last evaluated 2023-03-01.

Conditions:
PLXNA4-related disorder. Also called: PLXNA4-related condition.

Allele frequency attached by ClinVar (database versions not stated): 1000 Genomes Project 0.00080; 1000 Genomes Project 30x 0.00094; ESP Exome Variant Server 0.00292; TOPMed 0.00354; gnomAD 0.00415 and 0.00437; gnomAD exomes 0.00464 and 0.00483; ExAC 0.00465.
gnomAD v4.1: 7,509 of 1,614,212 alleles (0.47%); highest among the groups gnomAD compares: Middle Eastern, 2.7%; 35 homozygotes.

Submissions (4):

CeGaT Center for Human Genetics Tuebingen
Classification: Likely benign. Last evaluated: 2023-03-01. Review status: criteria provided, single submitter. Criteria: CeGaT Center For Human Genetics Tuebingen Variant Classification Criteria Version 2. Collection method: clinical testing. Allele origin: germline. Affected: yes. Observed: 2 variant alleles.
Comment: PLXNA4: BP4, BP7, BS2

Labcorp Genetics (formerly Invitae), Labcorp
Classification: Benign. Last evaluated: 2019-12-31. Review status: criteria provided, single submitter. Criteria: Invitae Variant Classification Sherloc (09022015). Collection method: clinical testing. Allele origin: germline.

Breakthrough Genomics
Classification: Benign. Review status: criteria provided, single submitter. Criteria: ACMG Guidelines, 2015. Collection method: not provided. Allele origin: germline. Inheritance: Unknown mechanism. Affected: yes.

PreventionGenetics, part of Exact Sciences
Classification: Benign for PLXNA4-related condition. Last evaluated: 2020-04-29. Review status: no assertion criteria provided. Collection method: clinical testing. Allele origin: germline. Not counted in ClinVar's aggregate classification.
Comment: This variant is classified as benign based on ACMG/AMP sequence variant interpretation guidelines (Richards et al. 2015 PMID: 25741868, with internal and published modifications).

NM_020911.2(PLXNA4):c.471G>A (p.Glu157=)

Gene: PLXNA4 (plexin A4; minus strand). Cytogenetic location: 7q32.3.
Variant type: single nucleotide variant.
Coding change: c.471G>A on transcript NM_020911.2 (MANE Select); coding-DNA position 471, G replaced by A.
Protein change: p.Glu157=; no amino-acid change (glutamic acid 157 retained).
Molecular consequence: synonymous variant.
Genome position (GRCh38, 1-based): chr7:132,508,223, C>T on the plus strand (G>A on the coding strand, the complement: PLXNA4 is on the minus strand). VCF-style: chr7-132508223-C-T. GRCh37 (hg19) VCF-style: chr7-132192982-C-T.
Other names: c.471G>A, p.Glu157= (NM_001105543.2, NM_001393897.1, NM_181775.4).
Identifiers: ClinVar variation 717727 (VCV000717727.30), dbSNP rs151121557, ClinGen allele CA4490495.